The following is an entry in ClinVar:

NM_022463.5(NXN):c.1257G>C (p.Glu419Asp)

Gene: NXN (nucleoredoxin; minus strand). Cytogenetic location: 17p13.3.
Variant type: single nucleotide variant.
Coding change: c.1257G>C on transcript NM_022463.5 (MANE Select); coding-DNA position 1257, G replaced by C.
Protein change: p.Glu419Asp; replaces glutamic acid 419 with aspartic acid.
Molecular consequence: missense variant.
Genome position (GRCh38, 1-based): chr17:801,000, C>G on the plus strand (G>C on the coding strand, the complement: NXN is on the minus strand). VCF-style: chr17-801000-C-G. GRCh37 (hg19) VCF-style: chr17-704240-C-G.
Other names: c.933G>C, p.Glu311Asp (NM_001205319.1); short protein forms E311D, E419D.
Identifiers: ClinVar variation 1353251 (VCV001353251.6), dbSNP rs1307506533, ClinGen allele CA397507724.
Genomic context (GRCh38, chr17:801,000, plus strand): 5'-GGAGCCACGCTAGATGGGCTCCGGTTTGAGCTTCTCTGCTAGGAAGTCATTCACAAAGGC[C>G]TCCACGATGGCGGGGGTGATCTCCTCCACGTCCATCACGTACTTGGCCCGGGCTGACATG-3'
Protein context (NP_071908.2, residues 409-429): DVEEITPAIV[Glu419Asp]AFVNDFLAEK

ClinVar aggregate classification (germline): Uncertain significance (1 of 4 stars; one submission).

Allele frequency attached by ClinVar (database versions not stated): gnomAD 0.00001; gnomAD exomes 0.00001 and 0.00002; TOPMed 0.00001.
gnomAD v4.1: 8 of 1,562,140 alleles (0.00051%); highest among the groups gnomAD compares: Non-Finnish European, 0.00069%; no homozygotes.

Submission:

Labcorp Genetics (formerly Invitae), Labcorp
Classification: Uncertain significance. Last evaluated: 2022-06-13. Review status: criteria provided, single submitter. Criteria: Invitae Variant Classification Sherloc (09022015). Collection method: clinical testing. Allele origin: germline.
Comment: In summary, the available evidence is currently insufficient to determine the role of this variant in disease. Therefore, it has been classified as a Variant of Uncertain Significance. Algorithms developed to predict the effect of missense changes on protein structure and function (SIFT, PolyPhen-2, Align-GVGD) all suggest that this variant is likely to be tolerated. This variant has not been reported in the literature in individuals affected with NXN-related conditions. This variant is present in population databases (no rsID available, gnomAD 0.005%). This sequence change replaces glutamic acid, which is acidic and polar, with aspartic acid, which is acidic and polar, at codon 419 of the NXN protein (p.Glu419Asp).